The following is an entry in ClinVar:

ClinVar aggregate classification (germline): Likely pathogenic (1 of 4 stars; one submission).

Conditions:
Juvenile retinoschisis (RS1). Also called: X-Linked Juvenile Retinoschisis; X-linked retinoschisis. Identifiers: Orphanet 792, MedGen C3714753, MONDO:0010725, OMIM 312700.

Submission:

3billion
Classification: Likely pathogenic for Juvenile retinoschisis. Last evaluated: 2022-05-22. Review status: criteria provided, single submitter. Criteria: ACMG Guidelines, 2015. Collection method: clinical testing. Allele origin: germline. Affected: yes. Observed: 1 hemizygote.
Comment: The variant is not observed in the gnomAD v2.1.1 dataset. Canonical splice site: predicted to alter splicing and result in a loss or disruption of normal protein function. Multiple pathogenic loss-of-function variants are reported downstream of the variant. Therefore, this variant is classified as likely pathogenic according to the recommendation of ACMG/AMP guideline.

NM_000330.4(RS1):c.327-14_410del

Genes: CDKL5 (cyclin dependent kinase like 5; plus strand), RS1 (retinoschisin 1; minus strand). Cytogenetic location: Xp22.13.
Variant type: Deletion.
Coding change: c.327-14_410del on transcript NM_000330.4 (MANE Select); 14 bases into the intron before coding-DNA position 327 through coding-DNA position 410, 98 bases deleted.
Molecular consequence: splice acceptor variant. On other transcripts: intron variant (2).
Genome position (GRCh38, 1-based): chrX:18,644,542-18,644,639, 98 bases deleted. GRCh37 (hg19): chrX:18,662,662-18,662,759.
Other names: c.2714-1465_2714-1368del (NM_003159.3, NM_001037343.2).
Identifiers: ClinVar variation 1687404 (VCV001687404.2), dbSNP rs2147191292, ClinGen allele CA2573158459.